The following is an entry in ClinVar:

NM_033238.3(PML):c.2509G>A (p.Ala837Thr)

Gene: PML (PML nuclear body scaffold; plus strand). Cytogenetic location: 15q24.1.
Variant type: single nucleotide variant.
Coding change: c.2509G>A on transcript NM_033238.3 (MANE Select); coding-DNA position 2509, G replaced by A.
Protein change: p.Ala837Thr; replaces alanine 837 with threonine.
Molecular consequence: missense variant.
Genome position (GRCh38, 1-based): chr15:74,044,868, G>A. VCF-style: chr15-74044868-G-A. GRCh37 (hg19) VCF-style: chr15-74337209-G-A.
Other names: short protein forms A837T.
Identifiers: ClinVar variation 3041488 (VCV003041488.2), dbSNP rs141646523, ClinGen allele CA7653165.

ClinVar aggregate classification (germline): Likely benign (0 of 4 stars; one submission).

Conditions:
PML-related disorder. Also called: PML-related condition.

Allele frequency attached by ClinVar (database versions not stated): ESP Exome Variant Server 0.00008; TOPMed 0.00030; gnomAD 0.00033; ExAC 0.00047; 1000 Genomes Project 30x 0.00172; 1000 Genomes Project 0.00220.
gnomAD v4.1: 242 of 1,613,536 alleles (0.015%); highest among the groups gnomAD compares: East Asian, 0.3%; 4 homozygotes.

Submission:

PreventionGenetics, part of Exact Sciences
Classification: Likely benign for PML-related condition. Last evaluated: 2021-05-24. Review status: no assertion criteria provided. Collection method: clinical testing. Allele origin: germline.
Comment: This variant is classified as likely benign based on ACMG/AMP sequence variant interpretation guidelines (Richards et al. 2015 PMID: 25741868, with internal and published modifications).